The following is an entry in ClinVar:

ClinVar aggregate classification (germline): Uncertain significance (1 of 4 stars; one submission).

Submission:

Labcorp Genetics (formerly Invitae), Labcorp
Classification: Uncertain significance. Last evaluated: 2025-12-28. Review status: criteria provided, single submitter. Criteria: Invitae Variant Classification Sherloc (09022015). Collection method: clinical testing. Allele origin: germline.
Comment: This sequence change replaces arginine, which is basic and polar, with histidine, which is basic and polar, at codon 533 of the LRRC8A protein (p.Arg533His). This variant is present in population databases (rs370564927, gnomAD 0.0009%). This variant has not been reported in the literature in individuals affected with LRRC8A-related conditions. An algorithm developed to predict the effect of missense changes on protein structure and function (PolyPhen-2) suggests that this variant is likely to be tolerated. In summary, the available evidence is currently insufficient to determine the role of this variant in disease. Therefore, it has been classified as a Variant of Uncertain Significance.

NM_019594.4(LRRC8A):c.1598G>A (p.Arg533His)

Gene: LRRC8A (leucine rich repeat containing 8 VRAC subunit A; plus strand). Cytogenetic location: 9q34.11.
Variant type: single nucleotide variant.
Coding change: c.1598G>A on transcript NM_019594.4 (MANE Select); coding-DNA position 1598, G replaced by A.
Protein change: p.Arg533His; replaces arginine 533 with histidine.
Molecular consequence: missense variant.
Genome position (GRCh38, 1-based): chr9:128,908,762, G>A. VCF-style: chr9-128908762-G-A. GRCh37 (hg19) VCF-style: chr9-131671041-G-A.
Other names: c.1598G>A, p.Arg533His (NM_001127244.2, NM_001127245.2); short protein forms R533H.
Identifiers: ClinVar variation 4701686 (VCV004701686.1).